The following is an entry in ClinVar:

NC_000012.12:g.120291911_120291912del

Genes: RNU4-2 (RNA, U4 small nuclear 2; minus strand), SIRT4 (sirtuin 4; plus strand). Cytogenetic location: 12q24.23.
Variant type: Deletion.
Genome position: GRCh38 VCF-style: chr12-120291910-GTT-G. GRCh37 (hg19) VCF-style: chr12-120729713-GTT-G.
Identifiers: ClinVar variation 3778372 (VCV003778372.7).

ClinVar aggregate classification (germline): Likely benign (1 of 4 stars; one submission).

Submission:

CeGaT Center for Human Genetics Tuebingen
Classification: Likely benign. Last evaluated: 2026-09-01. Review status: criteria provided, single submitter. Criteria: CeGaT Center For Human Genetics Tuebingen Variant Classification Criteria Version 2. Collection method: clinical testing. Allele origin: germline. Affected: yes. Observed: 10 variant alleles.
Comment: RNU4-2: BS1